The following is an entry in ClinVar:

ClinVar aggregate classification (germline): Uncertain significance. Review status: criteria provided, single submitter (1 of 4 stars). 2 submissions from 2 submitters: Uncertain significance (1). 1 of the submissions does not count toward it. Last evaluated 2025-04-01.

Conditions:
TBX3-related disorder. Also called: TBX3-related condition.
Ulnar-mammary syndrome (UMS). Also called: Ulnar-mammary syndrome of Pallister; PALLISTER ULNAR-MAMMARY SYNDROME; SCHINZEL SYNDROME. Identifiers: Orphanet 3138, MedGen C1866994, MONDO:0008411, OMIM 181450.

Submissions (2):

Labcorp Genetics (formerly Invitae), Labcorp
Classification: Uncertain significance for Ulnar-mammary syndrome. Last evaluated: 2025-04-01. Review status: criteria provided, single submitter. Criteria: Invitae Variant Classification Sherloc (09022015). Collection method: clinical testing. Allele origin: germline.
Comment: This sequence change replaces proline, which is neutral and non-polar, with leucine, which is neutral and non-polar, at codon 437 of the TBX3 protein (p.Pro437Leu). This variant is present in population databases (rs371891930, gnomAD 0.01%). This variant has not been reported in the literature in individuals affected with TBX3-related conditions. ClinVar contains an entry for this variant (Variation ID: 3353569). An algorithm developed to predict the effect of missense changes on protein structure and function (PolyPhen-2) suggests that this variant is likely to be disruptive. In summary, the available evidence is currently insufficient to determine the role of this variant in disease. Therefore, it has been classified as a Variant of Uncertain Significance.

PreventionGenetics, part of Exact Sciences
Classification: Uncertain significance for TBX3-related condition. Last evaluated: 2024-04-08. Review status: no assertion criteria provided. Collection method: clinical testing. Allele origin: germline. Not counted in ClinVar's aggregate classification.
Comment: The TBX3 c.1370C>T variant is predicted to result in the amino acid substitution p.Pro457Leu. To our knowledge, this variant has not been reported in the literature. This variant is reported in 0.0093% of alleles in individuals of African descent in gnomAD. At this time, the clinical significance of this variant is uncertain due to the absence of conclusive functional and genetic evidence.

NM_005996.4(TBX3):c.1310C>T (p.Pro437Leu)

Gene: TBX3 (T-box transcription factor 3; minus strand). Cytogenetic location: 12q24.21.
Variant type: single nucleotide variant.
Coding change: c.1310C>T on transcript NM_005996.4 (MANE Select); coding-DNA position 1310, C replaced by T.
Protein change: p.Pro437Leu; replaces proline 437 with leucine.
Molecular consequence: missense variant.
Genome position (GRCh38, 1-based): chr12:114,674,565, G>A on the plus strand (C>T on the coding strand, the complement: TBX3 is on the minus strand). VCF-style: chr12-114674565-G-A. GRCh37 (hg19) VCF-style: chr12-115112370-G-A.
Other names: c.1370C>T, p.Pro457Leu (NM_016569.4); short protein forms P437L, P457L.
Identifiers: ClinVar variation 3353569 (VCV003353569.3).